The following is an entry in ClinVar:

ClinVar aggregate classification (germline): Uncertain significance. Review status: criteria provided, multiple submitters, no conflicts (2 of 4 stars). 5 submissions from 5 submitters: Uncertain significance (4). 1 of the submissions does not count toward it. Last evaluated 2026-09-17.

Conditions:
Hypophosphatasia. Also called: Phosphoethanol-aminuria. Identifiers: Orphanet 436, MedGen C0020630, MeSH D007014, MONDO:0018570.
ALPL-related disorder. Also called: ALPL-related condition; ALPL-related disorders.

Allele frequency attached by ClinVar (database versions not stated): gnomAD exomes 0.00001.
gnomAD v4.1: 9 of 1,613,294 alleles (0.00056%); highest among the groups gnomAD compares: Admixed American, 0.0017%; no homozygotes.

Submissions (5):

PreventionGenetics, part of Exact Sciences
Classification: Uncertain significance for ALPL-related condition. Last evaluated: 2026-09-17. Review status: criteria provided, single submitter. Criteria: ACMG Guidelines, 2015. Collection method: clinical testing. Allele origin: germline.
Comment: The ALPL c.1310C>T variant is predicted to result in the amino acid substitution p.Ala437Val. This variant was reported in two individuals with hypophosphatasia (Glotov et al. 2022. PubMed ID: 36361766; Feurstein et al. et al. 2022. PubMed ID: 36514157). This variant is reported in 0.0018% of alleles in individuals of European (Non-Finnish) descent in gnomAD. At PreventionGenetics, this variant was observed in 3 individuals undergoing testing for ALPL. Although we suspect that this variant may be pathogenic, at this time, the clinical significance of this variant is uncertain due to the absence of conclusive functional and genetic evidence.

Genomenon, Inc
Classification: Uncertain significance for Hypophosphatasia. Last evaluated: 2026-09-01. Review status: criteria provided, single submitter. Criteria: Genomenon Sequence Variant Interpretation Standards - Updated. Collection method: curation. Allele origin: germline. Affected: yes.
Comment: ALPL p.Ala437Val (c.1310C>T) is a missense variant that changes the amino acid at codon 437 from Alanine to Valine. This variant has been observed in at least one proband affected with an ALPL-related disorder (PMID:32879991;36361766). It is absent or not present at a significant frequency in gnomAD. In conclusion, we classify ALPL p.Ala437Val (c.1310C>T) as a variant of uncertain significance.

JKU Lab, Dept of Paediatrics, Johannes Kepler University
Classification: Uncertain significance for Hypophosphatasia. Last evaluated: 2024-12-10. Review status: criteria provided, single submitter. Criteria: ACMG Guidelines, 2015. Collection method: curation. Allele origin: germline. Affected: yes. Observed: 1 compound heterozygote.
Comment: This missense variant is present in GnomAD 4.1 (f = 5.58e-6) and affects a highly conserved amino acid in the crown domain. The variant is predicted to affect protein function (REVEL score: 0.328). Splice-prediction algorithms predict no effect on splicing. This variant has been reported in the literature in individuals affected with ALPL-related conditions (PMID 38884565). The results of the functional testing and the applied ACMG criteria can be viewed at an online resource

Labcorp Genetics (formerly Invitae), Labcorp
Classification: Uncertain significance. Last evaluated: 2024-02-19. Review status: criteria provided, single submitter. Criteria: Invitae Variant Classification Sherloc (09022015). Collection method: clinical testing. Allele origin: germline.
Comment: This sequence change replaces alanine, which is neutral and non-polar, with valine, which is neutral and non-polar, at codon 437 of the ALPL protein (p.Ala437Val). This variant is present in population databases (no rsID available, gnomAD 0.002%). This missense change has been observed in individual(s) with hypophosphatasia (PMID: 36361766). ClinVar contains an entry for this variant (Variation ID: 840083). An algorithm developed to predict the effect of missense changes on protein structure and function (PolyPhen-2) suggests that this variant is likely to be disruptive. In summary, the available evidence is currently insufficient to determine the role of this variant in disease. Therefore, it has been classified as a Variant of Uncertain Significance.

Natera, Inc.
Classification: Uncertain significance for Hypophosphatasia. Last evaluated: 2020-02-26. Review status: no assertion criteria provided. Collection method: clinical testing. Allele origin: germline. Not counted in ClinVar's aggregate classification.

Literature cited by the submitters: PubMed 32879991 (cited by Genomenon, Inc); PubMed 36361766 (cited by Genomenon, Inc and Labcorp Genetics (formerly Invitae), Labcorp); PubMed 38884565 (cited by JKU Lab, Dept of Paediatrics, Johannes Kepler University).

NM_000478.6(ALPL):c.1310C>T (p.Ala437Val)

Gene: ALPL (alkaline phosphatase, biomineralization associated; plus strand). Cytogenetic location: 1p36.12.
Variant type: single nucleotide variant.
Coding change: c.1310C>T on transcript NM_000478.6 (MANE Select); coding-DNA position 1310, C replaced by T.
Protein change: p.Ala437Val; replaces alanine 437 with valine.
Molecular consequence: missense variant.
Genome position (GRCh38, 1-based): chr1:21,577,383, C>T. VCF-style: chr1-21577383-C-T. GRCh37 (hg19) VCF-style: chr1-21903876-C-T.
Other names: c.1145C>T, p.Ala382Val (NM_001127501.4); c.1079C>T, p.Ala360Val (NM_001177520.3); c.1310C>T, p.Ala437Val (NM_001369803.2, NM_001369804.2, NM_001369805.2); short protein forms A360V, A382V, A437V.
Identifiers: ClinVar variation 840083 (VCV000840083.14), dbSNP rs1437787933, ClinGen allele CA338881929.